The following is an entry in ClinVar:

ClinVar aggregate classification (germline): Uncertain significance. Review status: criteria provided, multiple submitters, no conflicts (2 of 4 stars). 3 submissions from 3 submitters: Uncertain significance (3). Last evaluated 2025-10-21.

Conditions:
Inborn genetic diseases. Identifiers: MedGen C0950123, MeSH D030342.

Allele frequency attached by ClinVar (database versions not stated): TOPMed 0.00002.
gnomAD v4.1: 184 of 1,607,432 alleles (0.011%); highest among the groups gnomAD compares: Non-Finnish European, 0.015%; no homozygotes.

Submissions (3):

Ambry Genetics
Classification: Uncertain significance for Inborn genetic diseases. Last evaluated: 2025-10-21. Review status: criteria provided, single submitter. Criteria: Ambry Variant Classification Scheme 2023. Collection method: clinical testing. Allele origin: germline.

Blueprint Genetics
Classification: Uncertain significance. Last evaluated: 2022-11-17. Review status: criteria provided, single submitter. Criteria: ACMG Guidelines, 2015. Collection method: clinical testing. Allele origin: germline.

Labcorp Genetics (formerly Invitae), Labcorp
Classification: Uncertain significance. Last evaluated: 2022-09-12. Review status: criteria provided, single submitter. Criteria: Invitae Variant Classification Sherloc (09022015). Collection method: clinical testing. Allele origin: germline.
Comment: In summary, the available evidence is currently insufficient to determine the role of this variant in disease. Therefore, it has been classified as a Variant of Uncertain Significance. Algorithms developed to predict the effect of missense changes on protein structure and function are either unavailable or do not agree on the potential impact of this missense change (SIFT: "Deleterious"; PolyPhen-2: "Probably Damaging"; Align-GVGD: "Class C0"). ClinVar contains an entry for this variant (Variation ID: 839882). This variant has not been reported in the literature in individuals affected with RBP3-related conditions. This variant is present in population databases (rs781947747, gnomAD 0.007%). This sequence change replaces proline, which is neutral and non-polar, with arginine, which is basic and polar, at codon 594 of the RBP3 protein (p.Pro594Arg).

NM_002900.3(RBP3):c.1781C>G (p.Pro594Arg)

Gene: RBP3 (retinol binding protein 3; plus strand). Cytogenetic location: 10q11.22.
Variant type: single nucleotide variant.
Coding change: c.1781C>G on transcript NM_002900.3 (MANE Select); coding-DNA position 1781, C replaced by G.
Protein change: p.Pro594Arg; replaces proline 594 with arginine.
Molecular consequence: missense variant.
Genome position (GRCh38, 1-based): chr10:47,350,265, C>G. VCF-style: chr10-47350265-C-G. GRCh37 (hg19) VCF-style: chr10-48389097-G-C.
Other names: short protein forms P594R.
Identifiers: ClinVar variation 839882 (VCV000839882.9), dbSNP rs781947747, ClinGen allele CA5487430.